The following is an entry in ClinVar:

ClinVar aggregate classification (germline): Uncertain significance (1 of 4 stars; one submission).

Submission:

CeGaT Center for Human Genetics Tuebingen
Classification: Uncertain significance. Last evaluated: 2023-09-01. Review status: criteria provided, single submitter. Criteria: CeGaT Center For Human Genetics Tuebingen Variant Classification Criteria Version 2. Collection method: clinical testing. Allele origin: germline. Affected: yes. Observed: 1 variant allele.
Comment: SH3TC2: PM2, BP4

NM_024577.4(SH3TC2):c.82G>A (p.Val28Ile)

Gene: SH3TC2 (SH3 domain and tetratricopeptide repeats 2; minus strand). Cytogenetic location: 5q32.
Variant type: single nucleotide variant.
Coding change: c.82G>A on transcript NM_024577.4 (MANE Select); coding-DNA position 82, G replaced by A.
Protein change: p.Val28Ile; replaces valine 28 with isoleucine.
Molecular consequence: missense variant.
Genome position (GRCh38, 1-based): chr5:149,052,211, C>T on the plus strand (G>A on the coding strand, the complement: SH3TC2 is on the minus strand). VCF-style: chr5-149052211-C-T. GRCh37 (hg19) VCF-style: chr5-148431774-C-T.
Other names: short protein forms V28I.
Identifiers: ClinVar variation 2655897 (VCV002655897.24), dbSNP rs1399431033, ClinGen allele CA361681651.